The following is an entry in ClinVar:

NM_001379081.2(FREM1):c.2656G>A (p.Asp886Asn)

Genes: FREM1 (FRAS1 related extracellular matrix 1; minus strand), LOC126860582 (P300/CBP strongly-dependent group 1 enhancer GRCh37_chr9:14812530-14813729; plus strand). Cytogenetic location: 9p22.3.
Variant type: single nucleotide variant.
Coding change: c.2656G>A on transcript NM_001379081.2 (MANE Select); coding-DNA position 2656, G replaced by A.
Protein change: p.Asp886Asn; replaces aspartic acid 886 with asparagine.
Molecular consequence: missense variant. On other transcripts: non-coding transcript variant (2).
Genome position (GRCh38, 1-based): chr9:14,813,049, C>T on the plus strand (G>A on the coding strand, the complement: FREM1 is on the minus strand). VCF-style: chr9-14813049-C-T. GRCh37 (hg19) VCF-style: chr9-14813047-C-T.
Other names: c.2656G>A, p.Asp886Asn (NM_144966.7); c.2656G>A (NM_144966.5); short protein forms D886N.
Identifiers: ClinVar variation 2103099 (VCV002103099.5), dbSNP rs368539764, ClinGen allele CA372953888.

ClinVar aggregate classification (germline): Uncertain significance. Review status: criteria provided, multiple submitters, no conflicts (2 of 4 stars). 2 submissions from 2 submitters: Uncertain significance (2). Last evaluated 2024-03-06.

Conditions:
BNAR syndrome. Also called: Bifid Nose With or Without Anorectal and Renal Anomalies (BNAR) Syndrome. Identifiers: Orphanet 217266, MedGen C2750433, MONDO:0012165, OMIM 608980.
Oculotrichoanal syndrome (MOTA). Also called: MARLES SYNDROME; Manitoba Oculotrichoanal (MOTA) Syndrome. Identifiers: Orphanet 2717, MedGen C1855425, MONDO:0009560, OMIM 248450.
Trigonocephaly 2 (TRIGNO2). Identifiers: Orphanet 3366, MedGen C3280974, MONDO:0013774, OMIM 614485.

Allele frequency attached by ClinVar (database versions not stated): TOPMed below 0.00001.

Submissions (2):

Fulgent Genetics
Classification: Uncertain significance for Oculotrichoanal syndrome; BNAR syndrome; Trigonocephaly 2. Last evaluated: 2024-03-06. Review status: criteria provided, single submitter. Criteria: ACMG Guidelines, 2015. Collection method: clinical testing. Allele origin: germline.

Labcorp Genetics (formerly Invitae), Labcorp
Classification: Uncertain significance. Last evaluated: 2022-03-04. Review status: criteria provided, single submitter. Criteria: Invitae Variant Classification Sherloc (09022015). Collection method: clinical testing. Allele origin: germline.
Comment: In summary, the available evidence is currently insufficient to determine the role of this variant in disease. Therefore, it has been classified as a Variant of Uncertain Significance. Algorithms developed to predict the effect of missense changes on protein structure and function are either unavailable or do not agree on the potential impact of this missense change (SIFT: "Tolerated"; PolyPhen-2: "Probably Damaging"; Align-GVGD: "Class C0"). This variant has not been reported in the literature in individuals affected with FREM1-related conditions. This variant is present in population databases (no rsID available, gnomAD 0.0009%). This sequence change replaces aspartic acid, which is acidic and polar, with asparagine, which is neutral and polar, at codon 886 of the FREM1 protein (p.Asp886Asn).